The following is an entry in ClinVar:

NM_003235.5(TG):c.4632G>A (p.Val1544=)

Gene: TG (thyroglobulin; plus strand). Cytogenetic location: 8q24.22.
Variant type: single nucleotide variant.
Coding change: c.4632G>A on transcript NM_003235.5 (MANE Select); coding-DNA position 4632, G replaced by A.
Protein change: p.Val1544=; no amino-acid change (valine 1544 retained).
Molecular consequence: synonymous variant.
Genome position (GRCh38, 1-based): chr8:132,923,441, G>A. VCF-style: chr8-132923441-G-A. GRCh37 (hg19) VCF-style: chr8-133935686-G-A.
Identifiers: ClinVar variation 4873164 (VCV004873164.2).
Genomic context (GRCh38, chr8:132,923,441, plus strand): 5'-CCAGAATGGCCAGTATCGAGCCAGCCAGAAGGACAGGGGCAGTGGGAAGGCCTTCTGTGT[G>A]GACGGCGAGGGGCGGAGGCTGCCATGGTGGGAAACAGAGGCCCCTCTTGAGGACTCACAG-3'
Protein context (NP_003226.4, residues 1534-1554): KDRGSGKAFC[Val1544=]DGEGRRLPWW

ClinVar aggregate classification (germline): Likely benign (1 of 4 stars; one submission).

gnomAD v4.1: 3 of 1,614,140 alleles (0.00019%); highest among the groups gnomAD compares: Admixed American, 0.0017%; no homozygotes.

Submission:

CeGaT Center for Human Genetics Tuebingen
Classification: Likely benign. Last evaluated: 2026-04-01. Review status: criteria provided, single submitter. Criteria: CeGaT Center For Human Genetics Tuebingen Variant Classification Criteria Version 2. Collection method: clinical testing. Allele origin: germline. Affected: yes. Observed: 1 variant allele.
Comment: TG: BP4, BP7